The following is an entry in ClinVar:

NM_003073.5(SMARCB1):c.607G>T (p.Ala203Ser)

Gene: SMARCB1 (SWI/SNF related BAF chromatin remodeling complex subunit B1; plus strand). Cytogenetic location: 22q11.23.
Variant type: single nucleotide variant.
Coding change: c.607G>T on transcript NM_003073.5 (MANE Select); coding-DNA position 607, G replaced by T.
Protein change: p.Ala203Ser; replaces alanine 203 with serine.
Molecular consequence: missense variant.
Genome position (GRCh38, 1-based): chr22:23,803,401, G>T. VCF-style: chr22-23803401-G-T. GRCh37 (hg19) VCF-style: chr22-24145588-G-T.
Other names: c.580G>T, p.Ala194Ser (NM_001007468.3); c.634G>T, p.Ala212Ser (NM_001317946.2); c.661G>T, p.Ala221Ser (NM_001362877.2); short protein forms A212S, A194S, A203S, A221S.
Identifiers: ClinVar variation 3446081 (VCV003446081.1).

ClinVar aggregate classification (germline): Uncertain significance (1 of 4 stars; one submission).

Conditions:
Hereditary cancer-predisposing syndrome. Also called: Tumor predisposition; Neoplastic Syndromes, Hereditary; Hereditary neoplastic syndrome; Hereditary Cancer Syndrome. Identifiers: Orphanet 140162, MedGen C0027672, MeSH D009386, MONDO:0015356.

Submission:

Ambry Genetics
Classification: Uncertain significance for Hereditary cancer-predisposing syndrome. Last evaluated: 2024-09-20. Review status: criteria provided, single submitter. Criteria: Ambry Variant Classification Scheme 2023. Collection method: clinical testing. Allele origin: germline.
Comment: The p.A203S variant (also known as c.607G>T), located in coding exon 5 of the SMARCB1 gene, results from a G to T substitution at nucleotide position 607. The alanine at codon 203 is replaced by serine, an amino acid with similar properties. This amino acid position is conserved. In addition, this alteration is predicted to be tolerated by in silico analysis. Based on the available evidence, the clinical significance of this variant remains unclear.